The following is an entry in ClinVar:

NM_000256.3(MYBPC3):c.2737+4_2737+7del

Gene: MYBPC3 (myosin binding protein C3; minus strand). Cytogenetic location: 11p11.2.
Variant type: Deletion.
Coding change: c.2737+4_2737+7del on transcript NM_000256.3 (MANE Select); bases 4 to 7 of the intron after coding-DNA position 2737, 4 bases deleted (AGTG; older notation c.2737+4_2737+7delAGTG).
Molecular consequence: splice donor variant.
Genome position (GRCh38, 1-based): chr11:47,335,870-47,335,873, CACT deleted on the plus strand (AGTG on the coding strand, the reverse complement: MYBPC3 is on the minus strand); deleting any 4 consecutive bases within chr11:47,335,870-47,335,876 gives the same sequence; the c. name uses the placement nearest the transcript's 3' end. VCF-style (leftmost placement, unchanged base first): chr11-47335869-ACACT-A. GRCh37 (hg19) VCF-style: chr11-47357420-ACACT-A.
Other names: c.2737+4_2737+7del (LRG_386t1); c.2737+4_2737+7delAGTG (NM_000256.3).
Identifiers: ClinVar variation 520349 (VCV000520349.11), dbSNP rs1555120911, ClinGen allele CA658797621.

ClinVar aggregate classification (germline): Conflicting classifications of pathogenicity. Review status: criteria provided, conflicting classifications (1 of 4 stars). 2 submissions from 2 submitters: Likely pathogenic (1); Uncertain significance (1). Last evaluated 2025-11-12.

Conditions:
Cardiovascular phenotype. Identifiers: MedGen CN230736.
Hypertrophic cardiomyopathy. Also called: HYPERTROPHIC MYOCARDIOPATHY. Identifiers: Orphanet 217569, MedGen C0007194, MeSH D002312, MONDO:0005045, HP:0001639.

Submissions (2):

Ambry Genetics
Classification: Likely pathogenic for Cardiovascular phenotype. Last evaluated: 2025-11-12. Review status: criteria provided, single submitter. Criteria: Ambry Variant Classification Scheme 2023. Collection method: clinical testing. Allele origin: germline.
Comment: The c.2737+4_2737+7delAGTG intronic variant begins 4 nucleotides after exon 26 in the MYBPC3 gene. This variant results from a deletion of 4 nucleotides at positions c.2737+4 to c.2737+7. This variant was reported in individual(s) with features consistent with MYBPC3-related cardiomyopathy (Waldm&uuml;ller S et al. Eur. J. Heart Fail. 2011;13:1185-92; Ambry internal data). Another variant impacting the same donor site (c.2737+5G>A) has been identified in individuals with features consistent with MYBPC3-related cardiomyopathy (Ho CY et al. Circulation, 2018 Oct;138:1387-1398; O'Hare BJ et al. Circ Genom Precis Med, 2020 Dec;13:e003013; Ambry internal data). These nucleotide positions range from highly to not well conserved in available vertebrate species. In silico splice site analysis predicts that this alteration will weaken the native splice donor site and may result in the creation or strengthening of a novel splice donor site. RNA studies are supportive of a splicing impact (Ambry internal data). Based on the majority of available evidence to date, this variant is likely to be pathogenic.

Labcorp Genetics (formerly Invitae), Labcorp
Classification: Uncertain significance for Hypertrophic cardiomyopathy. Last evaluated: 2025-07-27. Review status: criteria provided, single submitter. Criteria: Invitae Variant Classification Sherloc (09022015). Collection method: clinical testing. Allele origin: germline.
Comment: This sequence change falls in intron 26 of the MYBPC3 gene. It does not directly change the encoded amino acid sequence of the MYBPC3 protein. It affects a nucleotide within the consensus splice site. This variant is not present in population databases (gnomAD no frequency). This variant has been observed in individual(s) with hypertrophic cardiomyopathy (PMID: 21750094). ClinVar contains an entry for this variant (Variation ID: 520349). Variants that disrupt the consensus splice site are a relatively common cause of aberrant splicing (PMID: 17576681, 9536098). Algorithms developed to predict the effect of sequence changes on RNA splicing suggest that this variant may disrupt the consensus splice site. In summary, the available evidence is currently insufficient to determine the role of this variant in disease. Therefore, it has been classified as a Variant of Uncertain Significance.

Literature cited by the submitters: PubMed 21750094 (cited by Ambry Genetics and Labcorp Genetics (formerly Invitae), Labcorp); PubMed 17576681 (cited by Labcorp Genetics (formerly Invitae), Labcorp); PubMed 9536098 (cited by Labcorp Genetics (formerly Invitae), Labcorp).